The following is an entry in ClinVar:

NM_001478.5(B4GALNT1):c.736G>A (p.Glu246Lys)

Gene: B4GALNT1 (beta-1,4-N-acetyl-galactosaminyltransferase 1; minus strand). Cytogenetic location: 12q13.3.
Variant type: single nucleotide variant.
Coding change: c.736G>A on transcript NM_001478.5 (MANE Select); coding-DNA position 736, G replaced by A.
Protein change: p.Glu246Lys; replaces glutamic acid 246 with lysine.
Molecular consequence: missense variant. On other transcripts: 5 prime UTR variant (4), intron variant (1).
Genome position (GRCh38, 1-based): chr12:57,629,123, C>T on the plus strand (G>A on the coding strand, the complement: B4GALNT1 is on the minus strand). VCF-style: chr12-57629123-C-T. GRCh37 (hg19) VCF-style: chr12-58022906-C-T.
Other names: c.571G>A, p.Glu191Lys (NM_001276468.2, NM_001413978.1); c.736G>A, p.Glu246Lys (NM_001413967.1, NM_001413968.1, NM_001413969.1 and 7 more transcripts); c.-252G>A (NM_001413981.1, NM_001413982.1, NM_001413983.1 and 1 more transcripts); c.713-220G>A (NM_001413977.1); short protein forms E191K, E246K.
Identifiers: ClinVar variation 3367801 (VCV003367801.1).

ClinVar aggregate classification (germline): Uncertain significance (1 of 4 stars; one submission).

Submission:

GeneDx
Classification: Uncertain significance. Last evaluated: 2024-01-10. Review status: criteria provided, single submitter. Criteria: GeneDx Variant Classification Process June 2021. Collection method: clinical testing. Allele origin: germline. Affected: yes.
Comment: Not observed at significant frequency in large population cohorts (gnomAD); In silico analysis supports that this missense variant does not alter protein structure/function; Has not been previously published as pathogenic or benign to our knowledge